The following is an entry in ClinVar:

NM_000551.4(VHL):c.506T>C (p.Leu169Pro)

Genes: VHL (von Hippel-Lindau tumor suppressor; plus strand), LOC107303340 (3p25 von Hippel-Lindau tumor suppressor, E3 ubiquitin protein ligase Alu-mediated recombination region; plus strand). Cytogenetic location: 3p25.3.
Variant type: single nucleotide variant.
Coding change: c.506T>C on transcript NM_000551.4 (MANE Select); coding-DNA position 506, T replaced by C.
Protein change: p.Leu169Pro; replaces leucine 169 with proline.
Molecular consequence: missense variant. On other transcripts: 3 prime UTR variant (1).
Genome position (GRCh38, 1-based): chr3:10,149,829, T>C. VCF-style: chr3-10149829-T-C. GRCh37 (hg19) VCF-style: chr3-10191513-T-C.
Other names: c.*60T>C (NM_001354723.2); c.383T>C, p.Leu128Pro (NM_198156.3); short protein forms L169P, L128P.
Identifiers: ClinVar variation 428809 (VCV000428809.9), dbSNP rs1131690962, ClinGen allele CA351756191.

ClinVar aggregate classification (germline): Conflicting classifications of pathogenicity. Review status: criteria provided, conflicting classifications (1 of 4 stars). 3 submissions from 3 submitters: Likely pathogenic (1); Uncertain significance (2). Last evaluated 2025-06-06.

Conditions:
Hereditary cancer-predisposing syndrome. Also called: Hereditary neoplastic syndrome; Tumor predisposition; Neoplastic Syndromes, Hereditary; Hereditary Cancer Syndrome. Identifiers: Orphanet 140162, MedGen C0027672, MeSH D009386, MONDO:0015356.
Von Hippel-Lindau syndrome (VHLS). Also called: von Hippel–Lindau syndrome; Von Hippel-Lindau; VHL syndrome. Identifiers: Orphanet 892, MedGen C0019562, MONDO:0008667, OMIM 193300. Disease mechanism: loss of function.
Chuvash polycythemia. Also called: POLYCYTHEMIA, VHL-DEPENDENT. Identifiers: Orphanet 238557, MedGen C1837915, MONDO:0009892, OMIM 263400.

Submissions (3):

Centre of Medical Genetics, University Hospital Muenster
Classification: Uncertain significance. Last evaluated: 2025-06-06. Review status: criteria provided, single submitter. Criteria: ACMG Guidelines, 2015. Collection method: clinical testing. Allele origin: unknown. Affected: yes. Observed: 1 variant allele, 1 heterozygote.
Comment: ACMG categories: PM1_sup,PM2_sup,PP3

Labcorp Genetics (formerly Invitae), Labcorp
Classification: Uncertain significance for Von Hippel-Lindau syndrome; Chuvash polycythemia. Last evaluated: 2023-11-01. Review status: criteria provided, single submitter. Criteria: Invitae Variant Classification Sherloc (09022015). Collection method: clinical testing. Allele origin: germline.
Comment: This sequence change replaces leucine, which is neutral and non-polar, with proline, which is neutral and non-polar, at codon 169 of the VHL protein (p.Leu169Pro). This variant is not present in population databases (gnomAD no frequency). This missense change has been observed in individual(s) with VHL-related conditions (PMID: 11505222, 16809612, 17024664). This variant is also known as c.719T>C. ClinVar contains an entry for this variant (Variation ID: 428809). Advanced modeling of protein sequence and biophysical properties (such as structural, functional, and spatial information, amino acid conservation, physicochemical variation, residue mobility, and thermodynamic stability) performed at Invitae indicates that this missense variant is expected to disrupt VHL protein function with a positive predictive value of 95%. In summary, the available evidence is currently insufficient to determine the role of this variant in disease. Therefore, it has been classified as a Variant of Uncertain Significance.

Ambry Genetics
Classification: Likely pathogenic for Hereditary cancer-predisposing syndrome. Last evaluated: 2015-11-04. Review status: criteria provided, single submitter. Criteria: Ambry Variant Classification Scheme 2023. Collection method: clinical testing. Allele origin: germline.
Comment: The p.L169P variant (also known as c.506T>C), located in coding exon 3 of the VHL gene, results from a T to C substitution at nucleotide position 506. The leucine at codon 169 is replaced by proline, an amino acid with similar properties. This variant was not reported in population based cohorts in the following databases: Database of Single Nucleotide Polymorphisms (dbSNP), NHLBI Exome Sequencing Project (ESP), and 1000 Genomes Project. In the ESP, this variant was not observed in 6503 samples (13006 alleles) with coverage at this position. To date, this alteration has been detected with an allele frequency of approximately 0.01% (greater than 12000 alleles tested) in our clinical cohort. This variant was detected in a family whose clinical history is consistent with VHL and it segregated with disease in three individuals tested (Ambry internal data). This amino acid position is highly conserved in available vertebrate species. In addition, this alteration is predicted to be deleterious by in silico analysis. Based on the majority of available evidence to date, this variant is likely to be pathogenic.

Literature cited by the submitters: PubMed 11505222 (cited by Labcorp Genetics (formerly Invitae), Labcorp); PubMed 16809612 (cited by Labcorp Genetics (formerly Invitae), Labcorp); PubMed 17024664 (cited by Labcorp Genetics (formerly Invitae), Labcorp).